The following is an entry in ClinVar:

ClinVar aggregate classification (germline): Uncertain significance (1 of 4 stars; one submission).

Submission:

Labcorp Genetics (formerly Invitae), Labcorp
Classification: Uncertain significance. Last evaluated: 2024-01-02. Review status: criteria provided, single submitter. Criteria: Invitae Variant Classification Sherloc (09022015). Collection method: clinical testing. Allele origin: unknown.
Comment: This variant is a gross deletion of the genomic region encompassing exon(s) 3-10 of the COL9A3 gene. This variant would be expected to be in-frame, preserving the integrity of the reading frame. This variant has not been reported in the literature in individuals affected with COL9A3-related conditions. Experimental studies and prediction algorithms are not available or were not evaluated, and the functional significance of this variant is currently unknown. In summary, the available evidence is currently insufficient to determine the role of this variant in disease. Therefore, it has been classified as a Variant of Uncertain Significance.

NC_000020.10:g.(?_61449850)_(61454004_?)del

Gene: COL9A3 (collagen type IX alpha 3 chain; plus strand). Cytogenetic location: 20q13.33.
Variant type: Deletion.
Identifiers: ClinVar variation 3248331 (VCV003248331.1).